The following is an entry in ClinVar:

NM_001605.3(AARS1):c.2003C>T (p.Thr668Ile)

Gene: AARS1 (alanyl-tRNA synthetase 1; minus strand). Cytogenetic location: 16q22.1.
Variant type: single nucleotide variant.
Coding change: c.2003C>T on transcript NM_001605.3 (MANE Select); coding-DNA position 2003, C replaced by T.
Protein change: p.Thr668Ile; replaces threonine 668 with isoleucine.
Molecular consequence: missense variant.
Genome position (GRCh38, 1-based): chr16:70,258,207, G>A on the plus strand (C>T on the coding strand, the complement: AARS1 is on the minus strand). VCF-style: chr16-70258207-G-A. GRCh37 (hg19) VCF-style: chr16-70292110-G-A.
Other names: short protein forms T668I.
Identifiers: ClinVar variation 543237 (VCV000543237.7), dbSNP rs773483658, ClinGen allele CA8140588.

ClinVar aggregate classification (germline): Uncertain significance. Review status: criteria provided, multiple submitters, no conflicts (2 of 4 stars). 2 submissions from 2 submitters: Uncertain significance (2). Last evaluated 2025-09-02.

Conditions:
Inborn genetic diseases. Identifiers: MedGen C0950123, MeSH D030342.
Charcot-Marie-Tooth disease type 2. Also called: Charcot-Marie-Tooth type 2. Identifiers: Orphanet 64746, MedGen C0270914, MONDO:0018993.

Allele frequency attached by ClinVar (database versions not stated): TOPMed 0.00001; gnomAD exomes 0.00002; ExAC 0.00002.
gnomAD v4.1: 5 of 1,593,402 alleles (0.00031%); highest among the groups gnomAD compares: Admixed American, 0.0017%; no homozygotes.

Submissions (2):

Labcorp Genetics (formerly Invitae), Labcorp
Classification: Uncertain significance for Charcot-Marie-Tooth disease type 2. Last evaluated: 2025-09-02. Review status: criteria provided, single submitter. Criteria: Invitae Variant Classification Sherloc (09022015). Collection method: clinical testing. Allele origin: germline.
Comment: This sequence change replaces threonine, which is neutral and polar, with isoleucine, which is neutral and non-polar, at codon 668 of the AARS protein (p.Thr668Ile). The frequency data for this variant in the population databases is considered unreliable, as metrics indicate poor data quality at this position in the gnomAD database. This variant has not been reported in the literature in individuals affected with AARS-related conditions. ClinVar contains an entry for this variant (Variation ID: 543237). Invitae Evidence Modeling of protein sequence and biophysical properties (such as structural, functional, and spatial information, amino acid conservation, physicochemical variation, residue mobility, and thermodynamic stability) indicates that this missense variant is not expected to disrupt AARS protein function with a negative predictive value of 95%. In summary, the available evidence is currently insufficient to determine the role of this variant in disease. Therefore, it has been classified as a Variant of Uncertain Significance.

Ambry Genetics
Classification: Uncertain significance for Inborn genetic diseases. Last evaluated: 2025-07-15. Review status: criteria provided, single submitter. Criteria: Ambry Variant Classification Scheme 2023. Collection method: clinical testing. Allele origin: germline.